The following is an entry in ClinVar:

ClinVar aggregate classification (germline): Likely benign (1 of 4 stars; one submission).

Conditions:
ALDH18A1-related de Barsy syndrome. Also called: Cutis laxa, autosomal recessive IIIA; DE BARSY SYNDROME A. Identifiers: Orphanet 2962, Orphanet 35664, MedGen C5234852, MONDO:0009053, OMIM 219150.

Allele frequency attached by ClinVar (database versions not stated): gnomAD 0.00035; TOPMed 0.00037; 1000 Genomes Project 0.00060; 1000 Genomes Project 30x 0.00062.

Submission:

Illumina Laboratory Services, Illumina
Classification: Likely benign for ALDH18A1-related de Barsy syndrome. Last evaluated: 2018-01-13. Review status: criteria provided, single submitter. Criteria: ICSL Variant Classification Criteria 13 December 2019. Collection method: clinical testing. Allele origin: germline.
Comment: This variant was observed in the ICSL laboratory as part of a predisposition screen in an ostensibly healthy population. It had not been previously curated by ICSL or reported in the Human Gene Mutation Database (HGMD: prior to June 1st, 2018), and was therefore a candidate for classification through an automated scoring system. Utilizing variant allele frequency, disease prevalence and penetrance estimates, and inheritance mode, an automated score was calculated to assess if this variant is too frequent to cause the disease. Based on the score and internal cut-off values, a variant classified as likely benign is not then subjected to further curation. The score for this variant resulted in a classification of likely benign for this disease.

NM_002860.4(ALDH18A1):c.*734C>A

Gene: ALDH18A1 (aldehyde dehydrogenase 18 family member A1; minus strand). Cytogenetic location: 10q24.1.
Variant type: single nucleotide variant.
Coding change: c.*734C>A on transcript NM_002860.4 (MANE Select); 734 bases downstream of the stop codon, C replaced by A.
Molecular consequence: 3 prime UTR variant.
Genome position (GRCh38, 1-based): chr10:95,606,028, G>T on the plus strand (C>A on the coding strand, the complement: ALDH18A1 is on the minus strand). VCF-style: chr10-95606028-G-T. GRCh37 (hg19) VCF-style: chr10-97365785-G-T.
Other names: c.*734C>A (NM_001017423.2, NM_001323412.2, NM_001323413.2 and 6 more transcripts).
Identifiers: ClinVar variation 301745 (VCV000301745.5), dbSNP rs184009046, ClinGen allele CA10636583.